The following is an entry in ClinVar:

NM_018008.4(FEZF2):c.235C>G (p.Leu79Val)

Gene: FEZF2 (FEZ family zinc finger 2; minus strand). Cytogenetic location: 3p14.2.
Variant type: single nucleotide variant.
Coding change: c.235C>G on transcript NM_018008.4 (MANE Select); coding-DNA position 235, C replaced by G.
Protein change: p.Leu79Val; replaces leucine 79 with valine.
Molecular consequence: missense variant.
Genome position (GRCh38, 1-based): chr3:62,372,634, G>C on the plus strand (C>G on the coding strand, the complement: FEZF2 is on the minus strand). VCF-style: chr3-62372634-G-C. GRCh37 (hg19) VCF-style: chr3-62358309-G-C.
Other names: short protein forms L79V.
Identifiers: ClinVar variation 3391616 (VCV003391616.1).

ClinVar aggregate classification (germline): Uncertain significance (1 of 4 stars; one submission).

gnomAD v4.1: 1 of 1,574,954 alleles (0.000063%); highest among the groups gnomAD compares: Non-Finnish European, 0.000086%; no homozygotes.

Submission:

GeneDx
Classification: Uncertain significance. Last evaluated: 2024-06-21. Review status: criteria provided, single submitter. Criteria: GeneDx Variant Classification Process June 2021. Collection method: clinical testing. Allele origin: germline. Affected: yes.
Comment: Not observed at significant frequency in large population cohorts (gnomAD); In silico analysis indicates that this missense variant does not alter protein structure/function; Has not been previously published as pathogenic or benign to our knowledge